The following is an entry in ClinVar:

ClinVar aggregate classification (germline): Pathogenic. Review status: reviewed by expert panel (3 of 4 stars). 2 submissions from 2 submitters: Pathogenic (1). 1 of the submissions does not count toward it. Last evaluated 2017-12-15.

Conditions:
Breast-ovarian cancer, familial, susceptibility to, 1 (BROVCA1). Also called: OVARIAN CANCER, SUSCEPTIBILITY TO; BRCA1 Hereditary Breast and Ovarian Cancer. Identifiers: Orphanet 145, MedGen C2676676, MONDO:0011450, OMIM 604370. Disease mechanism: loss of function.
Familial cancer of breast. Also called: Hereditary breast cancer; hereditary breast carcinoma; BREAST CANCER, FAMILIAL. Identifiers: Orphanet 227535, MedGen C0346153, MONDO:0016419, OMIM 114480. Disease mechanism: loss of function.

Submissions (2):

Evidence-based Network for the Interpretation of Germline Mutant Alleles (ENIGMA)
Classification: Pathogenic for Breast-ovarian cancer, familial, susceptibility to, 1. Last evaluated: 2017-12-15. Review status: reviewed by expert panel. Criteria: ENIGMA BRCA1/2 Classification Criteria (2017-06-29). Collection method: curation. Allele origin: germline. Study: ENIGMA.
Comment: Variant allele predicted to encode a truncated non-functional protein.

ClinVar Staff, National Center for Biotechnology Information (NCBI)
No classification provided. Condition: Familial cancer of breast. Review status: no classification provided. Collection method: literature only. Allele origin: germline. Affected: yes. Not counted in ClinVar's aggregate classification.

Literature cited by the submitters: PubMed 16683254 (cited by ClinVar Staff, National Center for Biotechnology Information (NCBI)).

NM_007294.4(BRCA1):c.1319dup (p.Leu440fs)

Gene: BRCA1 (BRCA1 DNA repair associated; minus strand). Cytogenetic location: 17q21.31.
Variant type: Duplication.
Coding change: c.1319dup on transcript NM_007294.4 (MANE Select); coding-DNA position 1319, one base duplicated (T; older notation c.1319dupT).
Protein change: p.Leu440fs; shifts the reading frame from leucine 440.
Molecular consequence: frameshift variant. On other transcripts: intron variant (137).
Genome position (GRCh38, 1-based): chr17:43,094,212, A duplicated on the plus strand (T on the coding strand, the reverse complement: BRCA1 is on the minus strand); the first of 3 consecutive A bases (chr17:43,094,212-43,094,214); duplicating any one gives the same sequence. VCF-style (leftmost placement, unchanged base first): chr17-43094211-T-TA. GRCh37 (hg19) VCF-style: chr17-41246228-T-TA.
Other names: c.1319dupT (NM_007294.3); c.1106dup, p.Leu369fs (NM_001407571.1, NM_001407853.1, NM_001407894.1 and 9 more transcripts); c.1319dup, p.Leu440fs (NM_001407581.1, NM_001407582.1, NM_001407583.1 and 30 more transcripts); c.1316dup, p.Leu439fs (NM_001407587.1, NM_001407590.1, NM_001407591.1 and 22 more transcripts); c.1310dup, p.Leu437fs (NM_001407646.1, NM_001407647.1); c.1196dup, p.Leu399fs (NM_001407648.1, NM_001407664.1, NM_001407665.1 and 19 more transcripts); c.1193dup, p.Leu398fs (NM_001407649.1, NM_001407670.1, NM_001407671.1 and 11 more transcripts); c.1241dup, p.Leu414fs (NM_001407653.1, NM_001407654.1, NM_001407655.1 and 4 more transcripts); and 41 more; short protein forms L393fs, L440fs, L144fs, L313fs, L370fs, L373fs, L413fs, L328fs.
Identifiers: ClinVar variation 54198 (VCV000054198.3), dbSNP rs80357683, ClinGen allele CA327733.
Genomic context (GRCh38, chr17:43,094,211, plus strand): 5'-TATTTTGTCTTCAATATTACTCTCTACTGATTTGGAGTGAACTCTTTCACTTTTACATAT[T>TA]AAAGCCTCATGAGGATCACTGGCCAGTAAGTCTATTTTCTCTGAAGAACCAGAATATTCA-3'